The following is an entry in ClinVar:

NM_000465.4(BARD1):c.1749A>T (p.Lys583Asn)

Gene: BARD1 (BRCA1 associated RING domain 1; minus strand). Cytogenetic location: 2q35.
Variant type: single nucleotide variant.
Coding change: c.1749A>T on transcript NM_000465.4 (MANE Select); coding-DNA position 1749, A replaced by T.
Protein change: p.Lys583Asn; replaces lysine 583 with asparagine.
Molecular consequence: missense variant. On other transcripts: non-coding transcript variant (3), intron variant (1).
Genome position (GRCh38, 1-based): chr2:214,745,783, T>A on the plus strand (A>T on the coding strand, the complement: BARD1 is on the minus strand). VCF-style: chr2-214745783-T-A. GRCh37 (hg19) VCF-style: chr2-215610507-T-A.
Other names: c.1692A>T, p.Lys564Asn (NM_001282543.2); c.396A>T, p.Lys132Asn (NM_001282545.2); c.339A>T, p.Lys113Asn (NM_001282548.2); c.365-15275A>T (NM_001282549.2); short protein forms K113N, K132N, K564N, K583N.
Identifiers: ClinVar variation 819982 (VCV000819982.4), dbSNP rs1574739345, ClinGen allele CA350452956.

ClinVar aggregate classification (germline): Uncertain significance (1 of 4 stars; one submission).

Conditions:
Hereditary cancer-predisposing syndrome. Also called: Neoplastic Syndromes, Hereditary; Tumor predisposition; Hereditary Cancer Syndrome; Hereditary neoplastic syndrome. Identifiers: Orphanet 140162, MedGen C0027672, MeSH D009386, MONDO:0015356.

Submission:

Ambry Genetics
Classification: Uncertain significance for Hereditary cancer-predisposing syndrome. Last evaluated: 2018-10-04. Review status: criteria provided, single submitter. Criteria: Ambry Variant Classification Scheme 2023. Collection method: clinical testing. Allele origin: germline.
Comment: The p.K583N variant (also known as c.1749A>T), located in coding exon 8 of the BARD1 gene, results from an A to T substitution at nucleotide position 1749. The lysine at codon 583 is replaced by asparagine, an amino acid with similar properties. This amino acid position is well conserved in available vertebrate species. In addition, this alteration is predicted to be tolerated by in silico analysis. Since supporting evidence is limited at this time, the clinical significance of this alteration remains unclear.